The following is an entry in ClinVar:

NM_002528.7(NTHL1):c.670A>T (p.Thr224Ser)

Gene: NTHL1 (nth like DNA glycosylase 1; minus strand). Cytogenetic location: 16p13.3.
Variant type: single nucleotide variant.
Coding change: c.670A>T on transcript NM_002528.7 (MANE Select); coding-DNA position 670, A replaced by T.
Protein change: p.Thr224Ser; replaces threonine 224 with serine.
Molecular consequence: missense variant.
Genome position (GRCh38, 1-based): chr16:2,043,582, T>A on the plus strand (A>T on the coding strand, the complement: NTHL1 is on the minus strand). VCF-style: chr16-2043582-T-A. GRCh37 (hg19) VCF-style: chr16-2093583-T-A.
Other names: c.499A>T, p.Thr167Ser (NM_001318193.2); c.340A>T, p.Thr114Ser (NM_001318194.2); short protein forms T114S, T167S, T224S.
Identifiers: ClinVar variation 3408215 (VCV003408215.1).
Genomic context (GRCh38, chr16:2,043,582, plus strand): 5'-AGAGCAGCCAGTGGGCTGGAGCCAGCCCCGCCCTCCTCTACTCACCAATGCCTGACACAG[T>A]GCCCCAGGCCACAGCCATAGCCAGGTGTGCCATCTTGGGCCCAACACCCGGCAGCGCCAC-3'
Protein context (NP_002519.2, residues 214-234): AHLAMAVAWG[Thr224Ser]VSGIAVDTHV

ClinVar aggregate classification (germline): Uncertain significance (1 of 4 stars; one submission).

Conditions:
Hereditary cancer-predisposing syndrome. Also called: Neoplastic Syndromes, Hereditary; Tumor predisposition; Hereditary Cancer Syndrome; Hereditary neoplastic syndrome. Identifiers: Orphanet 140162, MedGen C0027672, MeSH D009386, MONDO:0015356.

Submission:

Ambry Genetics
Classification: Uncertain significance for Hereditary cancer-predisposing syndrome. Last evaluated: 2024-09-09. Review status: criteria provided, single submitter. Criteria: Ambry Variant Classification Scheme 2023. Collection method: clinical testing. Allele origin: germline.
Comment: The p.T232S variant (also known as c.694A>T), located in coding exon 4 of the NTHL1 gene, results from an A to T substitution at nucleotide position 694. The threonine at codon 232 is replaced by serine, an amino acid with similar properties. This amino acid position is conserved. In addition, this alteration is predicted to be tolerated by in silico analysis. Based on the available evidence, the clinical significance of this variant remains unclear.